The following is an entry in ClinVar:

NM_005883.3(APC2):c.334G>A (p.Gly112Ser)

Gene: APC2 (APC regulator of Wnt signaling pathway 2; plus strand). Cytogenetic location: 19p13.3.
Variant type: single nucleotide variant.
Coding change: c.334G>A on transcript NM_005883.3 (MANE Select); coding-DNA position 334, G replaced by A.
Protein change: p.Gly112Ser; replaces glycine 112 with serine.
Molecular consequence: missense variant.
Genome position (GRCh38, 1-based): chr19:1,453,532, G>A. VCF-style: chr19-1453532-G-A. GRCh37 (hg19) VCF-style: chr19-1453531-G-A.
Other names: c.334G>A, p.Gly112Ser (NM_001351273.1); short protein forms G112S.
Identifiers: ClinVar variation 786663 (VCV000786663.14), dbSNP rs150959468, ClinGen allele CA9044694.

ClinVar aggregate classification (germline): Likely benign. Review status: criteria provided, multiple submitters, no conflicts (2 of 4 stars). 4 submissions from 4 submitters: Likely benign (3). 1 of the submissions does not count toward it. Last evaluated 2026-01-19.

Conditions:
APC2-related disorder. Also called: APC2-Related Disorders; APC2-related condition.
Inborn genetic diseases. Identifiers: MedGen C0950123, MeSH D030342.

Allele frequency attached by ClinVar (database versions not stated): ExAC 0.00052; ESP Exome Variant Server 0.00162; gnomAD 0.00173 and 0.00185; 1000 Genomes Project 0.00200; TOPMed 0.00204; 1000 Genomes Project 30x 0.00250.
gnomAD v4.1: 542 of 1,611,610 alleles (0.034%); highest among the groups gnomAD compares: African/African-American, 0.64%; no homozygotes.

Submissions (4):

Labcorp Genetics (formerly Invitae), Labcorp
Classification: Likely benign. Last evaluated: 2026-01-19. Review status: criteria provided, single submitter. Criteria: Invitae Variant Classification Sherloc (09022015). Collection method: clinical testing. Allele origin: germline.

Ambry Genetics
Classification: Likely benign for Inborn genetic diseases. Last evaluated: 2021-08-30. Review status: criteria provided, single submitter. Criteria: Ambry Variant Classification Scheme 2023. Collection method: clinical testing. Allele origin: germline.

Breakthrough Genomics
Classification: Likely benign. Review status: criteria provided, single submitter. Criteria: ACMG Guidelines, 2015. Collection method: not provided. Allele origin: germline. Inheritance: Autosomal recessive inheritance. Affected: yes.

PreventionGenetics, part of Exact Sciences
Classification: Likely benign for APC2-related condition. Last evaluated: 2021-04-09. Review status: no assertion criteria provided. Collection method: clinical testing. Allele origin: germline. Not counted in ClinVar's aggregate classification.
Comment: This variant is classified as likely benign based on ACMG/AMP sequence variant interpretation guidelines (Richards et al. 2015 PMID: 25741868, with internal and published modifications).